The following is an entry in ClinVar:

ClinVar aggregate classification (germline): Uncertain significance (1 of 4 stars; one submission).

Conditions:
Glycogen storage disease, type II (IOPD). Also called: Pompe Disease; CARDIOMEGALIA GLYCOGENICA DIFFUSA; GLYCOGENOSIS, GENERALIZED, CARDIAC FORM; GSD II; POMPE DISEASE, INFANTILE-ONSET; GLYCOGEN STORAGE DISEASE II, INFANTILE-ONSET. Identifiers: Orphanet 365, MedGen C0017921, MONDO:0009290, OMIM 232300.

Submission:

Genomenon, Inc
Classification: Uncertain significance for Glycogen storage disease, type II. Last evaluated: 2026-07-01. Review status: criteria provided, single submitter. Criteria: Genomenon Sequence Variant Interpretation Standards - Updated. Collection method: curation. Allele origin: germline.
Comment: GAA p.Pro913AlafsTer105 (c.2736dup) is a frameshift variant that results in the production of an extended protein product. This variant has been reported in the compound heterozygous and/or homozygous state in an individual without a confirmed diagnosis of Pompe disease (PMID:28032299). It is absent or not present at a significant frequency in gnomAD. In conclusion, we classify GAA p.Pro913AlafsTer105 (c.2736dup) as a variant of uncertain significance.

Literature cited by the submitters: PubMed 28032299.

NM_000152.5(GAA):c.2736dup (p.Pro913fs)

Gene: GAA (alpha glucosidase; plus strand). Cytogenetic location: 17q25.3.
Variant type: Duplication.
Coding change: c.2736dup on transcript NM_000152.5 (MANE Select); coding-DNA position 2736, one base duplicated (G; older notation c.2736dupG).
Protein change: p.Pro913fs; shifts the reading frame from proline 913.
Molecular consequence: frameshift variant.
Genome position (GRCh38, 1-based): chr17:80,118,742, G duplicated. VCF-style (leftmost placement, unchanged base first): chr17-80118741-C-CG. GRCh37 (hg19) VCF-style: chr17-78092540-C-CG.
Other names: c.2736dup, p.Pro913fs (NM_001079803.3, NM_001079804.3, NM_001406741.1 and 1 more transcripts); short protein forms P913fs.
Identifiers: ClinVar variation 4876643 (VCV004876643.1).
Genomic context (GRCh38, chr17:80,118,741, plus strand): 5'-TGACCAGTGAGGGAGCTGGCCTGCAGCTGCAGAAGGTGACTGTCCTGGGCGTGGCCACGG[C>CG]GCCCCAGCAGGTCCTCTCCAACGGTGTCCCTGTCTCCAACTTCACCTACAGCCCCGACAC-3'